The following is an entry in ClinVar:

ClinVar aggregate classification (germline): Pathogenic (1 of 4 stars; one submission).

Conditions:
Hereditary cancer-predisposing syndrome. Also called: Neoplastic Syndromes, Hereditary; Hereditary Cancer Syndrome; Tumor predisposition; Hereditary neoplastic syndrome. Identifiers: Orphanet 140162, MedGen C0027672, MeSH D009386, MONDO:0015356.

Submission:

Ambry Genetics
Classification: Pathogenic for Hereditary cancer-predisposing syndrome. Last evaluated: 2024-12-16. Review status: criteria provided, single submitter. Criteria: Ambry Variant Classification Scheme 2023. Collection method: clinical testing. Allele origin: germline.
Comment: The c.-14_20del34 pathogenic mutation (also known as p.M1?) results from the deletion of 34 nucleotides between positions c.-14 in the 5'UTR and c.20 in coding exon 1 of the TMEM127 gene. This deletion includes the methionine residue at the initiation codon (ATG). This variant is considered to be rare based on population cohorts in the Genome Aggregation Database (gnomAD). Sequence variations that impact the initiation codon are expected to result in either loss of translation initiation, N-terminal truncation, or cause a shift in the mRNA reading frame. Based on the supporting evidence, this variant is interpreted as a disease-causing mutation.

NM_017849.4(TMEM127):c.-14_20del (p.Met1fs)

Genes: TMEM127 (transmembrane protein 127; minus strand), LOC129934333 (ATAC-STARR-seq lymphoblastoid silent region 11759; plus strand). Cytogenetic location: 2q11.2.
Variant type: Deletion.
Coding change: c.-14_20del on transcript NM_017849.4 (MANE Select); 14 bases upstream of the start codon through coding-DNA position 20, 34 bases deleted.
Protein change: p.Met1fs; shifts the reading frame from methionine 1.
Molecular consequence: frameshift variant, initiator codon variant. On other transcripts: intron variant (1).
Genome position (GRCh38, 1-based): chr2:96,265,362-96,265,395, 34 bases deleted; deleting any 34 consecutive bases within chr2:96,265,362-96,265,397 gives the same sequence; the c. name uses the placement nearest the transcript's 3' end. GRCh37 (hg19): chr2:96,931,102-96,931,135.
Other names: c.-14_20del, p.Met1fs (NM_001193304.3); c.-9+474_-9+507del (NM_001407283.1); c.-14_20del34 (NM_017849.3); short protein forms M1fs.
Identifiers: ClinVar variation 3807738 (VCV003807738.1).